The following is an entry in ClinVar:

ClinVar aggregate classification (germline): Likely pathogenic (1 of 4 stars; one submission).

Conditions:
Pyknodysostosis. Also called: Pycnodysostosis. Identifiers: Orphanet 763, MedGen C0238402, MONDO:0009940, OMIM 265800.

Submission:

Myriad Genetics, Inc.
Classification: Likely pathogenic for Pyknodysostosis. Last evaluated: 2022-03-04. Review status: criteria provided, single submitter. Criteria: Myriad Women's Health Autosomal Recessive and X-Linked Classification Criteria (2021). Collection method: clinical testing. Allele origin: unknown.
Comment: NM_000396.3(CTSK):c.616C>T(Q206*) is expected to be pathogenic in the context of pycnodysostosis. This variant is predicted to lead to an abnormal or absent protein product due to the creation of a premature termination codon in CTSK, a gene where loss-of-function variants are known to be pathogenic. Please note: this variant was assessed in the context of healthy population screening.

NM_000396.4(CTSK):c.616C>T (p.Gln206Ter)

Gene: CTSK (cathepsin K; minus strand). Cytogenetic location: 1q21.3.
Variant type: single nucleotide variant.
Coding change: c.616C>T on transcript NM_000396.4 (MANE Select); coding-DNA position 616, C replaced by T.
Protein change: p.Gln206Ter; replaces glutamine 206 with a stop codon.
Molecular consequence: nonsense.
Genome position (GRCh38, 1-based): chr1:150,804,023, G>A on the plus strand (C>T on the coding strand, the complement: CTSK is on the minus strand). VCF-style: chr1-150804023-G-A. GRCh37 (hg19) VCF-style: chr1-150776499-G-A.
Other names: short protein forms Q206*.
Identifiers: ClinVar variation 1724987 (VCV001724987.2), dbSNP rs199555702, ClinGen allele CA342336326.